The following is an entry in ClinVar:

ClinVar aggregate classification (germline): Uncertain significance (1 of 4 stars; one submission).

Submission:

Ambry Genetics
Classification: Uncertain significance. Last evaluated: 2022-01-08. Review status: criteria provided, single submitter. Criteria: Ambry Variant Classification Scheme 2023. Collection method: clinical testing. Allele origin: germline.
Comment: The p.V862G variant (also known as c.2585T>G), located in coding exon 4 of the ALPK2 gene, results from a T to G substitution at nucleotide position 2585. The valine at codon 862 is replaced by glycine, an amino acid with dissimilar properties. This amino acid position is conserved. In addition, this alteration is predicted to be tolerated by in silico analysis. Since supporting evidence is limited at this time, the clinical significance of this alteration remains unclear.

NM_052947.4(ALPK2):c.2585T>G (p.Val862Gly)

Gene: ALPK2 (alpha kinase 2; minus strand). Cytogenetic location: 18q21.31.
Variant type: single nucleotide variant.
Coding change: c.2585T>G on transcript NM_052947.4 (MANE Select); coding-DNA position 2585, T replaced by G.
Protein change: p.Val862Gly; replaces valine 862 with glycine.
Molecular consequence: missense variant.
Genome position (GRCh38, 1-based): chr18:58,537,602, A>C on the plus strand (T>G on the coding strand, the complement: ALPK2 is on the minus strand). VCF-style: chr18-58537602-A-C. GRCh37 (hg19) VCF-style: chr18-56204834-A-C.
Other names: short protein forms V862G.
Identifiers: ClinVar variation 1793427 (VCV001793427.2), dbSNP rs2518877490, ClinGen allele CA402570213.
Genomic context (GRCh38, chr18:58,537,602, plus strand): 5'-CCGTCCTTGCTGCTTTTGCACGTAGACACTGAAGTCTCAGACACTTGTGTCTGAAAAAAG[A>C]CTTCCAGTGTCTTGTCATTAGAAGAACATAAATCAGATACTTTGTTTTGACCTTCTGCCA-3'
Protein context (NP_443179.3, residues 852-872): LCSSNDKTLE[Val862Gly]FFQTQVSETS